The following is an entry in ClinVar:

NM_001453.3(FOXC1):c.1124GCG[3] (p.Gly378_Gly380del)

Gene: FOXC1 (forkhead box C1; plus strand). Cytogenetic location: 6p25.3.
Variant type: Microsatellite.
Coding change: c.1124GCG[3] on transcript NM_001453.3 (MANE Select); three copies in a row of the 3-base unit GCG starting at c.1124; the reference has six copies in a row; three copies, 9 bases deleted.
Protein change: p.Gly378_Gly380del.
Molecular consequence: inframe deletion.
Genome position (GRCh38, 1-based): chr6:1,611,578-1,611,586, GCGGCGGCG deleted; deleting any 9 consecutive bases within chr6:1,611,568-1,611,586 gives the same sequence; the position shown is the placement nearest the transcript's 3' end. VCF-style (leftmost placement, unchanged base first): chr6-1611567-GGGCGGCGGC-G. GRCh37 (hg19) VCF-style: chr6-1611802-GGGCGGCGGC-G.
Identifiers: ClinVar variation 1396381 (VCV001396381.6), dbSNP rs76840944, ClinGen allele CA3614872.

ClinVar aggregate classification (germline): Uncertain significance (1 of 4 stars; one submission).

Conditions:
Axenfeld-Rieger syndrome type 3 (RIEG3). Also called: AXENFELD-RIEGER ANOMALY WITH CARDIAC DEFECTS AND/OR SENSORINEURAL HEARING LOSS. Identifiers: Orphanet 782, MedGen C2678503, MONDO:0011233, OMIM 602482.

Submission:

Labcorp Genetics (formerly Invitae), Labcorp
Classification: Uncertain significance for Axenfeld-Rieger syndrome type 3. Last evaluated: 2025-09-25. Review status: criteria provided, single submitter. Criteria: Invitae Variant Classification Sherloc (09022015). Collection method: clinical testing. Allele origin: germline.
Comment: This variant, c.1133_1141del, results in the deletion of 3 amino acid(s) of the FOXC1 protein (p.Gly378_Gly380del), but otherwise preserves the integrity of the reading frame. The frequency data for this variant in the population databases is considered unreliable, as metrics indicate poor data quality at this position in the gnomAD database. This variant has not been reported in the literature in individuals affected with FOXC1-related conditions. Experimental studies and prediction algorithms are not available or were not evaluated, and the functional significance of this variant is currently unknown. In summary, the available evidence is currently insufficient to determine the role of this variant in disease. Therefore, it has been classified as a Variant of Uncertain Significance.